The following is an entry in ClinVar:

NM_004409.4(DMPK):c.*224CTG[1681]

Genes: DM1-AS (DM1 locus antisense RNA; plus strand), DMPK (DM1 protein kinase; minus strand), LOC107075317 (origin of replication in DMPK trinucleotide repeat region; plus strand), LOC109461477 (dystrophia myotonica protein kinase repeat instability region; plus strand). Cytogenetic location: 19q13.32.
Variant type: Microsatellite.
Coding change: c.*224CTG[1681] on transcript NM_004409.4; 1,681 copies in a row of the 3-base unit CTG starting at c.*224.
Other names: DM1 CTG repeat expansion.
Identifiers: ClinVar variation 187929 (VCV000187929.1).

ClinVar aggregate classification (germline): Pathogenic (0 of 4 stars; one submission).

Conditions:
Steinert myotonic dystrophy syndrome (DM1). Also called: STEINERT DISEASE; Myotonic dystrophy type 1; Dystrophia myotonica type 1; Steinert myotonic dystrophy; Steinert's disease. Identifiers: Orphanet 273, MedGen C3250443, MONDO:0008056, OMIM 160900.

Submission:

Institute of Molecular, Cell and Systems Biology, University of Glasgow
Classification: Pathogenic for Steinert myotonic dystrophy syndrome. Review status: no assertion criteria provided. Criteria: research. Collection method: research. Allele origin: germline. Inheritance: Autosomal dominant inheritance. Affected: yes. Observed: 1 heterozygote.
Comment: DMPK CTG repeat expansions greater than approximately 45-50 repeats are assumed to be pathogenic

This record is based on data published in PubMed 25052313, which reports only ClinVar accessions SCV000120188 and SCV000120189. The complete data set includes SCV000207445 - SCV000207579.

Literature cited by the submitters: PubMed 1346923; PubMed 1546326; PubMed 25052313.